The following is an entry in ClinVar:

ClinVar aggregate classification (germline): Pathogenic (1 of 4 stars; one submission).

Submission:

GeneDx
Classification: Pathogenic. Last evaluated: 2016-07-28. Review status: criteria provided, single submitter. Criteria: GeneDx Variant Classification (06012015). Collection method: clinical testing. Allele origin: germline. Affected: yes.
Comment: The N504X nonsense variant in the JAG1 gene is predicted to cause loss of normal protein function either through protein truncation or nonsense-mediated mRNA decay. The variant was not observed in approximately 6,500 individuals of European and African American ancestry in the NHLBI Exome Sequencing Project, indicating it is not a common benign variant in these populations.

NM_000214.3(JAG1):c.1509_1510del (p.Gln503_Asn504insTer)

Gene: JAG1 (jagged canonical Notch ligand 1; minus strand). Cytogenetic location: 20p12.2.
Variant type: Deletion.
Coding change: c.1509_1510del on transcript NM_000214.3 (MANE Select); coding-DNA positions 1509 to 1510, 2 bases deleted (GA; older notation c.1509_1510delGA).
Protein change: p.Gln503_Asn504insTer.
Molecular consequence: frameshift variant.
Genome position (GRCh38, 1-based): chr20:10,648,608-10,648,609, TC deleted on the plus strand (GA on the coding strand, the reverse complement: JAG1 is on the minus strand); deleting any 2 consecutive bases within chr20:10,648,608-10,648,610 gives the same sequence; the c. name uses the placement nearest the transcript's 3' end. VCF-style (leftmost placement, unchanged base first): chr20-10648607-TTC-T. GRCh37 (hg19) VCF-style: chr20-10629255-TTC-T.
Other names: c.1509_1510del, p.Gln503_Asn504insTer (LRG_1191t1).
Identifiers: ClinVar variation 265648 (VCV000265648.2), dbSNP rs886039696, ClinGen allele CA10588693.